The following is an entry in ClinVar:

NM_080732.4(EGLN2):c.1054T>G (p.Ser352Ala)

Genes: EGLN2 (egl-9 family hypoxia inducible factor 2; plus strand), RAB4B-EGLN2 (RAB4B-EGLN2 readthrough (NMD candidate); plus strand). Cytogenetic location: 19q13.2.
Variant type: single nucleotide variant.
Coding change: c.1054T>G on transcript NM_080732.4 (MANE Select); coding-DNA position 1054, T replaced by G.
Protein change: p.Ser352Ala; replaces serine 352 with alanine.
Molecular consequence: missense variant. On other transcripts: non-coding transcript variant (1).
Genome position (GRCh38, 1-based): chr19:40,807,228, T>G. VCF-style: chr19-40807228-T-G. GRCh37 (hg19) VCF-style: chr19-41313133-T-G.
Other names: c.1054T>G, p.Ser352Ala (NM_053046.4); short protein forms S352A.
Identifiers: ClinVar variation 1778246 (VCV001778246.2), dbSNP rs2083310921, ClinGen allele CA405956581.

ClinVar aggregate classification (germline): Uncertain significance (1 of 4 stars; one submission).

Allele frequency attached by ClinVar (database versions not stated): gnomAD 0.00001.

Submission:

Ambry Genetics
Classification: Uncertain significance. Last evaluated: 2022-09-24. Review status: criteria provided, single submitter. Criteria: Ambry Variant Classification Scheme 2023. Collection method: clinical testing. Allele origin: germline.
Comment: The p.S352A variant (also known as c.1054T>G), located in coding exon 3 of the EGLN2 gene, results from a T to G substitution at nucleotide position 1054. The serine at codon 352 is replaced by alanine, an amino acid with similar properties. This amino acid position is conserved. In addition, the in silico prediction for this alteration is inconclusive. Since supporting evidence is limited at this time, the clinical significance of this alteration remains unclear.